The following is an entry in ClinVar:

NM_000057.4(BLM):c.2803A>G (p.Ile935Val)

Gene: BLM (BLM RecQ like helicase; plus strand). Cytogenetic location: 15q26.1.
Variant type: single nucleotide variant.
Coding change: c.2803A>G on transcript NM_000057.4 (MANE Select); coding-DNA position 2803, A replaced by G.
Protein change: p.Ile935Val; replaces isoleucine 935 with valine.
Molecular consequence: missense variant.
Genome position (GRCh38, 1-based): chr15:90,785,061, A>G. VCF-style: chr15-90785061-A-G. GRCh37 (hg19) VCF-style: chr15-91328291-A-G.
Other names: c.2803A>G, p.Ile935Val (NM_001287246.2, NM_001287247.2); c.1678A>G, p.Ile560Val (NM_001287248.2); short protein forms I560V, I935V.
Identifiers: ClinVar variation 821821 (VCV000821821.20), dbSNP rs774916971, ClinGen allele CA7738869.

ClinVar aggregate classification (germline): Uncertain significance. Review status: criteria provided, multiple submitters, no conflicts (2 of 4 stars). 6 submissions from 6 submitters: Uncertain significance (5). 1 of the submissions does not count toward it. Last evaluated 2025-11-30.

Conditions:
Hereditary cancer-predisposing syndrome. Also called: Tumor predisposition; Hereditary neoplastic syndrome; Neoplastic Syndromes, Hereditary; Hereditary Cancer Syndrome. Identifiers: Orphanet 140162, MedGen C0027672, MeSH D009386, MONDO:0015356.
Bloom syndrome (BLM). Also called: Bloom-Torre-Machacek syndrome. Identifiers: Orphanet 125, MedGen C0005859, MONDO:0008876, OMIM 210900.

Allele frequency attached by ClinVar (database versions not stated): TOPMed below 0.00001; ExAC 0.00001; gnomAD 0.00001; gnomAD exomes 0.00001.
gnomAD v4.1: 10 of 1,614,032 alleles (0.00062%); highest among the groups gnomAD compares: South Asian, 0.0011%; no homozygotes.

Submissions (6):

Labcorp Genetics (formerly Invitae), Labcorp
Classification: Uncertain significance for Bloom syndrome. Last evaluated: 2025-11-30. Review status: criteria provided, single submitter. Criteria: Invitae Variant Classification Sherloc (09022015). Collection method: clinical testing. Allele origin: germline.
Comment: This sequence change replaces isoleucine, which is neutral and non-polar, with valine, which is neutral and non-polar, at codon 935 of the BLM protein (p.Ile935Val). This variant is present in population databases (rs774916971, gnomAD 0.003%). This variant has not been reported in the literature in individuals affected with BLM-related conditions. ClinVar contains an entry for this variant (Variation ID: 821821). Invitae Evidence Modeling of protein sequence and biophysical properties (such as structural, functional, and spatial information, amino acid conservation, physicochemical variation, residue mobility, and thermodynamic stability) indicates that this missense variant is not expected to disrupt BLM protein function with a negative predictive value of 80%. In summary, the available evidence is currently insufficient to determine the role of this variant in disease. Therefore, it has been classified as a Variant of Uncertain Significance.

GeneDx
Classification: Uncertain significance. Last evaluated: 2025-01-24. Review status: criteria provided, single submitter. Criteria: GeneDx Variant Classification Process June 2021. Collection method: clinical testing. Allele origin: germline. Affected: yes.
Comment: Not observed at significant frequency in large population cohorts (gnomAD); In silico analysis indicates that this missense variant does not alter protein structure/function; Has not been previously published as pathogenic or benign to our knowledge

Ambry Genetics
Classification: Uncertain significance for Hereditary cancer-predisposing syndrome. Last evaluated: 2024-05-18. Review status: criteria provided, single submitter. Criteria: Ambry Variant Classification Scheme 2023. Collection method: clinical testing. Allele origin: germline.
Comment: The p.I935V variant (also known as c.2803A>G), located in coding exon 13 of the BLM gene, results from an A to G substitution at nucleotide position 2803. The isoleucine at codon 935 is replaced by valine, an amino acid with highly similar properties. This amino acid position is well conserved in available vertebrate species. In addition, this alteration is predicted to be tolerated by in silico analysis. Since supporting evidence is limited at this time, the clinical significance of this alteration remains unclear.

Blueprint Genetics
Classification: Uncertain significance. Last evaluated: 2024-02-19. Review status: criteria provided, single submitter. Criteria: ACMG Guidelines, 2015. Collection method: clinical testing. Allele origin: germline.

Quest Diagnostics Nichols Institute San Juan Capistrano
Classification: Uncertain significance. Last evaluated: 2023-11-10. Review status: criteria provided, single submitter. Criteria: Quest Diagnostics criteria. Collection method: clinical testing. Allele origin: unknown.
Comment: The BLM c.2803A>G (p.Ile935Val) variant has not been reported in individuals with BLM-related conditions in the published literature. The frequency of this variant in the general population, 0.000008 (2/251424 chromosomes (Genome Aggregation Database)), is uninformative in the assessment of its pathogenicity. Analysis of this variant using bioinformatics tools for the prediction of the effect of amino acid changes on protein structure and function yielded predictions that this variant is benign. Based on the available information, we are unable to determine the clinical significance of this variant.

Natera, Inc.
Classification: Uncertain significance for Bloom syndrome. Last evaluated: 2018-09-29. Review status: no assertion criteria provided. Collection method: clinical testing. Allele origin: germline. Not counted in ClinVar's aggregate classification.